The following is an entry in ClinVar:

ClinVar aggregate classification (germline): Uncertain significance. Review status: criteria provided, multiple submitters, no conflicts (2 of 4 stars). 3 submissions from 3 submitters: Uncertain significance (2). 1 of the submissions does not count toward it. Last evaluated 2026-04-09.

Conditions:
Dyskeratosis congenita. Identifiers: Orphanet 1775, MedGen C0265965, MONDO:0015780.
Pulmonary fibrosis and/or bone marrow failure, Telomere-related, 3. Also called: PULMONARY FIBROSIS AND/OR BONE MARROW FAILURE SYNDROME, TELOMERE-RELATED, 3. Identifiers: Orphanet 2032, MedGen C4225346, MONDO:0014613, OMIM 616373.
Dyskeratosis congenita, autosomal recessive 5 (DKCB5). Identifiers: MedGen C3554656, MONDO:0014076, OMIM 615190.
Inborn genetic diseases. Identifiers: MedGen C0950123, MeSH D030342.

Allele frequency attached by ClinVar (database versions not stated): gnomAD exomes below 0.00001; gnomAD 0.00001; TOPMed 0.00001.
gnomAD v4.1: 4 of 1,612,362 alleles (0.00025%); highest among the groups gnomAD compares: Non-Finnish European, 0.00034%; no homozygotes.

Submissions (3):

Ambry Genetics
Classification: Uncertain significance for Inborn genetic diseases. Last evaluated: 2026-04-09. Review status: criteria provided, single submitter. Criteria: Ambry Variant Classification Scheme 2023. Collection method: clinical testing. Allele origin: germline.
Comment: The p.P1111S variant (also known as c.3331C>T), located in coding exon 31 of the RTEL1 gene, results from a C to T substitution at nucleotide position 3331. The proline at codon 1111 is replaced by serine, an amino acid with similar properties. This amino acid position is conserved. In addition, this alteration is predicted to be tolerated by in silico analysis. Based on the available evidence, the clinical significance of this variant remains unclear.

Labcorp Genetics (formerly Invitae), Labcorp
Classification: Uncertain significance for Dyskeratosis congenita, autosomal recessive 5; Pulmonary fibrosis and/or bone marrow failure, Telomere-related, 3. Last evaluated: 2022-06-26. Review status: criteria provided, single submitter. Criteria: Invitae Variant Classification Sherloc (09022015). Collection method: clinical testing. Allele origin: germline.
Comment: This sequence change replaces proline, which is neutral and non-polar, with serine, which is neutral and polar, at codon 1111 of the RTEL1 protein (p.Pro1111Ser). This variant is present in population databases (no rsID available, gnomAD 0.007%). This variant has not been reported in the literature in individuals affected with RTEL1-related conditions. Algorithms developed to predict the effect of missense changes on protein structure and function output the following: SIFT: "Tolerated"; PolyPhen-2: "Benign"; Align-GVGD: "Class C0". The serine amino acid residue is found in multiple mammalian species, which suggests that this missense change does not adversely affect protein function. In summary, the available evidence is currently insufficient to determine the role of this variant in disease. Therefore, it has been classified as a Variant of Uncertain Significance.

Natera, Inc.
Classification: Uncertain significance for Dyskeratosis congenita. Last evaluated: 2025-05-14. Review status: no assertion criteria provided. Collection method: clinical testing. Allele origin: germline. Not counted in ClinVar's aggregate classification.

NM_001283009.2(RTEL1):c.3331C>T (p.Pro1111Ser)

Genes: RTEL1 (regulator of telomere elongation helicase 1; plus strand), RTEL1-TNFRSF6B (RTEL1-TNFRSF6B readthrough (NMD candidate); plus strand). Cytogenetic location: 20q13.33.
Variant type: single nucleotide variant.
Coding change: c.3331C>T on transcript NM_001283009.2 (MANE Select); coding-DNA position 3331, C replaced by T.
Protein change: p.Pro1111Ser; replaces proline 1111 with serine.
Molecular consequence: missense variant. On other transcripts: non-coding transcript variant (1).
Genome position (GRCh38, 1-based): chr20:63,694,962, C>T. VCF-style: chr20-63694962-C-T. GRCh37 (hg19) VCF-style: chr20-62326315-C-T.
Other names: c.2662C>T, p.Pro888Ser (NM_001283010.1); c.3331C>T, p.Pro1111Ser (NM_016434.4); c.3403C>T, p.Pro1135Ser (NM_032957.5); c.3403C>T (NM_032957.4); short protein forms P1135S, P1111S, P888S.
Identifiers: ClinVar variation 2182372 (VCV002182372.3), dbSNP rs1169797958, ClinGen allele CA409685201.